The following is an entry in ClinVar:

ClinVar aggregate classification (germline): Benign/Likely benign. Review status: criteria provided, multiple submitters, no conflicts (2 of 4 stars). 9 submissions from 9 submitters: Benign (5); Likely benign (4). Last evaluated 2026-08-01.

Conditions:
Cardiovascular phenotype. Identifiers: MedGen CN230736.
Osteogenesis imperfecta type I (OI1). Also called: Osteogenesis imperfecta type 1; Classic Non-deforming Osteogenesis Imperfecta with Blue Sclerae; Lobstein's Disease; Lobstein disease; OI, TYPE I; OSTEOGENESIS IMPERFECTA TARDA. Identifiers: Orphanet 216796, Orphanet 666, MedGen C0023931, MONDO:0008146, OMIM 166200. Disease mechanism: loss of function.
Ehlers-Danlos syndrome, classic type, 1 (EDSCL1). Also called: EDS I; EHLERS-DANLOS SYNDROME, GRAVIS TYPE; EHLERS-DANLOS SYNDROME, SEVERE CLASSIC TYPE; Ehlers-Danlos syndrome, type 1; Ehlers-Danlos Syndrome, Classic Type, COL5A1-Related. Identifiers: MedGen C0268335, MONDO:0019567, OMIM 130000.

Allele frequency attached by ClinVar (database versions not stated): gnomAD exomes 0.00081; ExAC 0.00093; 1000 Genomes Project 0.00140; 1000 Genomes Project 30x 0.00141; gnomAD 0.00302 and 0.00340; TOPMed 0.00346; ESP Exome Variant Server 0.00361.
gnomAD v4.1: 955 of 1,613,918 alleles (0.059%); highest among the groups gnomAD compares: African/African-American, 1.1%; 4 homozygotes.

Submissions (9):

CeGaT Center for Human Genetics Tuebingen
Classification: Likely benign. Last evaluated: 2026-08-01. Review status: criteria provided, single submitter. Criteria: CeGaT Center For Human Genetics Tuebingen Variant Classification Criteria Version 2. Collection method: clinical testing. Allele origin: germline. Affected: yes. Observed: 2 variant alleles.
Comment: COL1A2: BP4, BP7, BS1

Labcorp Genetics (formerly Invitae), Labcorp
Classification: Benign for Osteogenesis imperfecta type I; Ehlers-Danlos syndrome, classic type, 1. Last evaluated: 2026-01-03. Review status: criteria provided, single submitter. Criteria: Invitae Variant Classification Sherloc (09022015). Collection method: clinical testing. Allele origin: germline.

Women's Health and Genetics/Laboratory Corporation of America, LabCorp
Classification: Likely benign. Last evaluated: 2024-12-06. Review status: criteria provided, single submitter. Criteria: LabCorp Variant Classification Summary - May 2015. Collection method: clinical testing. Allele origin: germline.

Blueprint Genetics
Classification: Likely benign. Last evaluated: 2024-11-06. Review status: criteria provided, single submitter. Criteria: ACMG Guidelines, 2015. Collection method: clinical testing. Allele origin: germline.

ARUP Laboratories, Molecular Genetics and Genomics, ARUP Laboratories
Classification: Benign. Last evaluated: 2023-05-02. Review status: criteria provided, single submitter. Criteria: ARUP Molecular Germline Variant Investigation Process 2024. Collection method: clinical testing. Allele origin: germline.

Ambry Genetics
Classification: Likely benign for Cardiovascular phenotype. Last evaluated: 2019-05-31. Review status: criteria provided, single submitter. Criteria: Ambry Variant Classification Scheme 2023. Collection method: clinical testing. Allele origin: germline.

GeneDx
Classification: Benign. Last evaluated: 2018-04-18. Review status: criteria provided, single submitter. Criteria: GeneDx Variant Classification (06012015). Collection method: clinical testing. Allele origin: germline. Affected: yes.
Comment: This variant is considered likely benign or benign based on one or more of the following criteria: it is a conservative change, it occurs at a poorly conserved position in the protein, it is predicted to be benign by multiple in silico algorithms, and/or has population frequency not consistent with disease.

Athena Diagnostics
Classification: Benign. Last evaluated: 2016-12-29. Review status: criteria provided, single submitter. Criteria: Athena Diagnostics Criteria. Collection method: clinical testing. Allele origin: germline.

Breakthrough Genomics
Classification: Benign. Review status: criteria provided, single submitter. Criteria: ACMG Guidelines, 2015. Collection method: not provided. Allele origin: germline. Inheritance: Autosomal recessive inheritance. Affected: yes.

Literature cited by the submitters: PubMed 18996919 (cited by Ambry Genetics and Athena Diagnostics).

NM_000089.4(COL1A2):c.975A>T (p.Gly325=)

Gene: COL1A2 (collagen type I alpha 2 chain; plus strand). Cytogenetic location: 7q21.3.
Variant type: single nucleotide variant.
Coding change: c.975A>T on transcript NM_000089.4 (MANE Select); coding-DNA position 975, A replaced by T.
Protein change: p.Gly325=; no amino-acid change (glycine 325 retained).
Molecular consequence: synonymous variant.
Genome position (GRCh38, 1-based): chr7:94,409,761, A>T. VCF-style: chr7-94409761-A-T. GRCh37 (hg19) VCF-style: chr7-94039073-A-T.
Identifiers: ClinVar variation 447157 (VCV000447157.72), dbSNP rs148063325, ClinGen allele CA4346898.